The following is an entry in ClinVar:

NM_002474.3(MYH11):c.1401+6G>C

Gene: MYH11 (myosin heavy chain 11; minus strand). Cytogenetic location: 16p13.11.
Variant type: single nucleotide variant.
Coding change: c.1401+6G>C on transcript NM_002474.3 (MANE Select); 6 bases into the intron after coding-DNA position 1401, G replaced by C.
Molecular consequence: intron variant.
Genome position (GRCh38, 1-based): chr16:15,759,570, C>G on the plus strand (G>C on the coding strand, the complement: MYH11 is on the minus strand). VCF-style: chr16-15759570-C-G. GRCh37 (hg19) VCF-style: chr16-15853427-C-G.
Other names: c.1401+6G>C (NM_022844.3); c.1422+6G>C (NM_001040114.2, NM_001040113.2).
Identifiers: ClinVar variation 4756705 (VCV004756705.1).

ClinVar aggregate classification (germline): Uncertain significance (1 of 4 stars; one submission).

Conditions:
Familial thoracic aortic aneurysm and aortic dissection (TAAD). Also called: Thoracic aortic aneurysms and dissections. Identifiers: Orphanet 91387, MedGen C4707243, MONDO:0019625.

Submission:

Color Diagnostics, LLC DBA Color Health
Classification: Uncertain significance for Familial thoracic aortic aneurysm and aortic dissection. Last evaluated: 2025-05-25. Review status: criteria provided, single submitter. Criteria: ACMG Guidelines, 2015. Collection method: clinical testing. Allele origin: germline.
Comment: This variant causes a G to C nucleotide substitution at the +6 position of intron 13/42 of the MYH11 gene. To our knowledge, functional studies have not been reported for this variant. This variant has not been reported in individuals affected with MYH11-related disorders in the literature. This variant has not been identified in the general population by the Genome Aggregation Database (gnomAD). The available evidence is insufficient to determine the role of this variant in disease conclusively. Therefore, this variant is classified as a Variant of Uncertain Significance.